The following is an entry in ClinVar:

NM_000834.5(GRIN2B):c.4241C>T (p.Ala1414Val)

Gene: GRIN2B (glutamate ionotropic receptor NMDA type subunit 2B; minus strand). Cytogenetic location: 12p13.1.
Variant type: single nucleotide variant.
Coding change: c.4241C>T on transcript NM_000834.5 (MANE Select); coding-DNA position 4241, C replaced by T.
Protein change: p.Ala1414Val; replaces alanine 1414 with valine.
Molecular consequence: missense variant.
Genome position (GRCh38, 1-based): chr12:13,562,997, G>A on the plus strand (C>T on the coding strand, the complement: GRIN2B is on the minus strand). VCF-style: chr12-13562997-G-A. GRCh37 (hg19) VCF-style: chr12-13715931-G-A.
Other names: short protein forms A1414V.
Identifiers: ClinVar variation 515602 (VCV000515602.16), dbSNP rs751107971, ClinGen allele CA6460762.

ClinVar aggregate classification (germline): Conflicting classifications of pathogenicity. Review status: criteria provided, conflicting classifications (1 of 4 stars). 3 submissions from 3 submitters: Uncertain significance (2); Likely benign (1). Last evaluated 2025-11-24.

Conditions:
Developmental and epileptic encephalopathy, 27 (DEE27). Also called: GRIN2B-Related Neurodevelopmental Disorder; Epileptic encephalopathy, early infantile, 27. Identifiers: Orphanet 3451, MedGen C4015316, MONDO:0014505, OMIM 616139.
Intellectual developmental disorder, autosomal dominant 6, with or without seizures. Also called: GRIN2B-related developmental delay, intellectual disability and autism spectrum disorder; Intellectual disability, autosomal dominant 6. Identifiers: Orphanet 589547, MedGen C3151411, MONDO:0013509, OMIM 613970.
Inborn genetic diseases. Identifiers: MedGen C0950123, MeSH D030342.

Allele frequency attached by ClinVar (database versions not stated): gnomAD exomes 0.00001; gnomAD 0.00002; ExAC 0.00001; TOPMed 0.00006.
gnomAD v4.1: 13 of 1,613,212 alleles (0.00081%); highest among the groups gnomAD compares: African/African-American, 0.011%; no homozygotes.

Submissions (3):

Ambry Genetics
Classification: Uncertain significance for Inborn genetic diseases. Last evaluated: 2025-11-24. Review status: criteria provided, single submitter. Criteria: Ambry Variant Classification Scheme 2023. Collection method: clinical testing. Allele origin: germline.

Labcorp Genetics (formerly Invitae), Labcorp
Classification: Uncertain significance for Developmental and epileptic encephalopathy, 27; Intellectual developmental disorder, autosomal dominant 6, with or without seizures. Last evaluated: 2025-03-01. Review status: criteria provided, single submitter. Criteria: Invitae Variant Classification Sherloc (09022015). Collection method: clinical testing. Allele origin: germline.
Comment: This sequence change replaces alanine, which is neutral and non-polar, with valine, which is neutral and non-polar, at codon 1414 of the GRIN2B protein (p.Ala1414Val). This variant is present in population databases (rs751107971, gnomAD 0.008%). This variant has not been reported in the literature in individuals affected with GRIN2B-related conditions. ClinVar contains an entry for this variant (Variation ID: 515602). Invitae Evidence Modeling of protein sequence and biophysical properties (such as structural, functional, and spatial information, amino acid conservation, physicochemical variation, residue mobility, and thermodynamic stability) indicates that this missense variant is not expected to disrupt GRIN2B protein function with a negative predictive value of 95%. In summary, the available evidence is currently insufficient to determine the role of this variant in disease. Therefore, it has been classified as a Variant of Uncertain Significance.

GeneDx
Classification: Likely benign. Last evaluated: 2021-01-30. Review status: criteria provided, single submitter. Criteria: GeneDx Variant Classification Process June 2021. Collection method: clinical testing. Allele origin: germline. Affected: yes.